The following is an entry in ClinVar:

ClinVar aggregate classification (germline): Uncertain significance (1 of 4 stars; one submission).

Submission:

GeneDx
Classification: Uncertain significance. Last evaluated: 2021-04-09. Review status: criteria provided, single submitter. Criteria: GeneDx Variant Classification Process June 2021. Collection method: clinical testing. Allele origin: germline. Affected: yes.
Comment: Not observed in large population cohorts (Lek et al., 2016); In silico analysis supports that this missense variant does not alter protein structure/function; Has not been previously published as pathogenic or benign to our knowledge

NM_000937.5(POLR2A):c.2482C>A (p.Leu828Ile)

Genes: POLR2A (RNA polymerase II subunit A; plus strand), LOC126862481 (BRD4-independent group 4 enhancer GRCh37_chr17:7405086-7406285; plus strand). Cytogenetic location: 17p13.1.
Variant type: single nucleotide variant.
Coding change: c.2482C>A on transcript NM_000937.5 (MANE Select); coding-DNA position 2482, C replaced by A.
Protein change: p.Leu828Ile; replaces leucine 828 with isoleucine.
Molecular consequence: missense variant.
Genome position (GRCh38, 1-based): chr17:7,502,032, C>A. VCF-style: chr17-7502032-C-A. GRCh37 (hg19) VCF-style: chr17-7405351-C-A.
Other names: short protein forms L828I.
Identifiers: ClinVar variation 1314388 (VCV001314388.2), dbSNP rs778345226, ClinGen allele CA397888990.